The following is an entry in ClinVar:

NM_000090.4(COL3A1):c.1855C>A (p.Pro619Thr)

Gene: COL3A1 (collagen type III alpha 1 chain; plus strand). Cytogenetic location: 2q32.2.
Variant type: single nucleotide variant.
Coding change: c.1855C>A on transcript NM_000090.4 (MANE Select); coding-DNA position 1855, C replaced by A.
Protein change: p.Pro619Thr; replaces proline 619 with threonine.
Molecular consequence: missense variant.
Genome position (GRCh38, 1-based): chr2:188,997,375, C>A. VCF-style: chr2-188997375-C-A. GRCh37 (hg19) VCF-style: chr2-189862101-C-A.
Other names: short protein forms P619T.
Identifiers: ClinVar variation 1172184 (VCV001172184.3), dbSNP rs780889214, ClinGen allele CA074729.

ClinVar aggregate classification (germline): Uncertain significance (1 of 4 stars; one submission).

Conditions:
Familial thoracic aortic aneurysm and aortic dissection (TAAD). Also called: Thoracic aortic aneurysms and dissections. Identifiers: Orphanet 91387, MedGen C4707243, MONDO:0019625.

Allele frequency attached by ClinVar (database versions not stated): gnomAD exomes below 0.00001; ExAC 0.00001.
gnomAD v4.1: 1 of 1,613,634 alleles (0.000062%); highest among the groups gnomAD compares: East Asian, 0.0022%; no homozygotes.

Submission:

Color Diagnostics, LLC DBA Color Health
Classification: Uncertain significance for Familial thoracic aortic aneurysm and aortic dissection. Last evaluated: 2024-03-07. Review status: criteria provided, single submitter. Criteria: ACMG Guidelines, 2015. Collection method: clinical testing. Allele origin: germline.
Comment: This missense variant replaces proline with threonine at codon 619 of the COL3A1 protein. Computational prediction suggests that this variant may not impact protein structure and function (internally defined REVEL score threshold <= 0.5, PMID: 27666373). To our knowledge, functional studies have not been reported for this variant. This variant has not been reported in individuals affected with cardiovascular disorders in the literature. This variant has been identified in 1/251176 chromosomes in the general population by the Genome Aggregation Database (gnomAD). The available evidence is insufficient to determine the role of this variant in disease conclusively. Therefore, this variant is classified as a Variant of Uncertain Significance.